The following is an entry in ClinVar:

ClinVar aggregate classification (germline): Likely benign. Review status: criteria provided, multiple submitters, no conflicts (2 of 4 stars). 4 submissions from 4 submitters: Likely benign (4). Last evaluated 2025-11-24.

Conditions:
ABHD12-related disorder. Also called: ABHD12-related condition.

Allele frequency attached by ClinVar (database versions not stated): gnomAD 0.00001; gnomAD exomes 0.00001 and 0.00003; ExAC 0.00002; TOPMed 0.00002.
gnomAD v4.1: 25 of 1,563,470 alleles (0.0016%); highest among the groups gnomAD compares: Middle Eastern, 0.17%; no homozygotes.

Submissions (4):

Labcorp Genetics (formerly Invitae), Labcorp
Classification: Likely benign. Last evaluated: 2025-11-24. Review status: criteria provided, single submitter. Criteria: Invitae Variant Classification Sherloc (09022015). Collection method: clinical testing. Allele origin: germline.

PreventionGenetics, part of Exact Sciences
Classification: Likely benign for ABHD12-related condition. Last evaluated: 2025-06-23. Review status: criteria provided, single submitter. Criteria: ACMG Guidelines, 2015. Collection method: clinical testing. Allele origin: germline.
Comment: This variant is classified as likely benign based on ACMG/AMP sequence variant interpretation guidelines (Richards et al. 2015 PMID: 25741868, with internal and published modifications).

Blueprint Genetics
Classification: Likely benign. Last evaluated: 2024-09-04. Review status: criteria provided, single submitter. Criteria: ACMG Guidelines, 2015. Collection method: clinical testing. Allele origin: germline.

Breakthrough Genomics
Classification: Likely benign. Review status: criteria provided, single submitter. Criteria: ACMG Guidelines, 2015. Collection method: not provided. Allele origin: germline. Inheritance: Autosomal recessive inheritance. Affected: yes.

NM_001042472.3(ABHD12):c.317-5T>C

Gene: ABHD12 (abhydrolase domain containing 12, lysophospholipase; minus strand). Cytogenetic location: 20p11.21.
Variant type: single nucleotide variant.
Coding change: c.317-5T>C on transcript NM_001042472.3 (MANE Select); 5 bases into the intron before coding-DNA position 317, T replaced by C.
Molecular consequence: intron variant.
Genome position (GRCh38, 1-based): chr20:25,323,435, A>G on the plus strand (T>C on the coding strand, the complement: ABHD12 is on the minus strand). VCF-style: chr20-25323435-A-G. GRCh37 (hg19) VCF-style: chr20-25304071-A-G.
Other names: c.317-5T>C (NM_001042472.2, NM_015600.5).
Identifiers: ClinVar variation 1132139 (VCV001132139.10), dbSNP rs4386391, ClinGen allele CA9796178.